The following is an entry in ClinVar:

ClinVar aggregate classification (germline): Uncertain significance. Review status: criteria provided, multiple submitters, no conflicts (2 of 4 stars). 2 submissions from 2 submitters: Uncertain significance (2). Last evaluated 2025-12-17.

gnomAD v4.1: 8 of 1,605,978 alleles (0.0005%); highest among the groups gnomAD compares: African/African-American, 0.0053%; no homozygotes.

Submissions (2):

Labcorp Genetics (formerly Invitae), Labcorp
Classification: Uncertain significance. Last evaluated: 2025-12-17. Review status: criteria provided, single submitter. Criteria: Invitae Variant Classification Sherloc (09022015). Collection method: clinical testing. Allele origin: germline.
Comment: This sequence change replaces valine, which is neutral and non-polar, with leucine, which is neutral and non-polar, at codon 359 of the POC5 protein (p.Val359Leu). This variant is present in population databases (no rsID available, gnomAD 0.01%). This variant has not been reported in the literature in individuals affected with POC5-related conditions. ClinVar contains an entry for this variant (Variation ID: 2164541). An algorithm developed to predict the effect of missense changes on protein structure and function (PolyPhen-2) suggests that this variant is likely to be disruptive. In summary, the available evidence is currently insufficient to determine the role of this variant in disease. Therefore, it has been classified as a Variant of Uncertain Significance.

Ambry Genetics
Classification: Uncertain significance. Last evaluated: 2024-05-24. Review status: criteria provided, single submitter. Criteria: Ambry Variant Classification Scheme 2023. Collection method: clinical testing. Allele origin: germline.

NM_001099271.2(POC5):c.1075G>C (p.Val359Leu)

Gene: POC5 (POC5 centriolar protein; minus strand). Cytogenetic location: 5q13.3.
Variant type: single nucleotide variant.
Coding change: c.1075G>C on transcript NM_001099271.2 (MANE Select); coding-DNA position 1075, G replaced by C.
Protein change: p.Val359Leu; replaces valine 359 with leucine.
Molecular consequence: missense variant.
Genome position (GRCh38, 1-based): chr5:75,689,066, C>G on the plus strand (G>C on the coding strand, the complement: POC5 is on the minus strand). VCF-style: chr5-75689066-C-G. GRCh37 (hg19) VCF-style: chr5-74984891-C-G.
Other names: c.1000G>C, p.Val334Leu (NM_152408.3); c.1075G>C (NM_001099271.1); short protein forms V334L, V359L.
Identifiers: ClinVar variation 2164541 (VCV002164541.5), dbSNP rs746986549, ClinGen allele CA120974402.
Genomic context (GRCh38, chr5:75,689,066, plus strand): 5'-ACTAACCTGCATCATTTCTGTTTTGAAATATAGTCATGGCTTCAAGATTTAATGCACATA[C>G]ACCCCTCATGAAAGCTTTTTTCATGGAATCTTCAAAGTGCTCTTTTTCATGTTGCATTCT-3'
Protein context (NP_001092741.1, residues 349-369): DSMKKAFMRG[Val359Leu]CALNLEAMTI